The following is an entry in ClinVar:

NM_015404.4(WHRN):c.2351C>G (p.Ser784Cys)

Gene: WHRN (whirlin; minus strand). Cytogenetic location: 9q32.
Variant type: single nucleotide variant.
Coding change: c.2351C>G on transcript NM_015404.4 (MANE Select); coding-DNA position 2351, C replaced by G.
Protein change: p.Ser784Cys; replaces serine 784 with cysteine.
Molecular consequence: missense variant.
Genome position (GRCh38, 1-based): chr9:114,403,963, G>C on the plus strand (C>G on the coding strand, the complement: WHRN is on the minus strand). VCF-style: chr9-114403963-G-C. GRCh37 (hg19) VCF-style: chr9-117166243-G-C.
Other names: c.1202C>G, p.Ser401Cys (NM_001083885.3); c.2348C>G, p.Ser783Cys (NM_001173425.2); c.1298C>G, p.Ser433Cys (NM_001346890.1); short protein forms S401C, S433C, S783C, S784C.
Identifiers: ClinVar variation 2581947 (VCV002581947.1), dbSNP rs1834847682, ClinGen allele CA374619696.

ClinVar aggregate classification (germline): Uncertain significance (1 of 4 stars; one submission).

Allele frequency attached by ClinVar (database versions not stated): TOPMed below 0.00001.
gnomAD v4.1: 1 of 1,611,686 alleles (0.000062%); no homozygotes.

Submission:

GeneDx
Classification: Uncertain significance. Last evaluated: 2023-03-28. Review status: criteria provided, single submitter. Criteria: GeneDx Variant Classification Process June 2021. Collection method: clinical testing. Allele origin: germline. Affected: yes.
Comment: Not observed at significant frequency in large population cohorts (gnomAD); In silico analysis supports that this missense variant does not alter protein structure/function; Has not been previously published as pathogenic or benign to our knowledge